The following is an entry in ClinVar:

ClinVar aggregate classification (germline): Uncertain significance. Review status: criteria provided, multiple submitters, no conflicts (2 of 4 stars). 2 submissions from 2 submitters: Uncertain significance (2). Last evaluated 2025-12-05.

Conditions:
Hereditary cancer-predisposing syndrome. Also called: Neoplastic Syndromes, Hereditary; Tumor predisposition; Hereditary neoplastic syndrome; Hereditary Cancer Syndrome. Identifiers: Orphanet 140162, MedGen C0027672, MeSH D009386, MONDO:0015356.

gnomAD v4.1: 3 of 1,613,854 alleles (0.00019%); highest among the groups gnomAD compares: East Asian, 0.0045%; no homozygotes.

Submissions (2):

Ambry Genetics
Classification: Uncertain significance for Hereditary cancer-predisposing syndrome. Last evaluated: 2025-12-05. Review status: criteria provided, single submitter. Criteria: Ambry Variant Classification Scheme 2023. Collection method: clinical testing. Allele origin: germline.
Comment: The p.P2147S variant (also known as c.6439C>T), located in coding exon 46 of the POLE gene, results from a C to T substitution at nucleotide position 6439. The proline at codon 2147 is replaced by serine, an amino acid with similar properties. This amino acid position is conserved. In addition, the in silico prediction for this alteration is inconclusive. Based on the available evidence, the clinical significance of this variant remains unclear.

Labcorp Genetics (formerly Invitae), Labcorp
Classification: Uncertain significance. Last evaluated: 2024-12-28. Review status: criteria provided, single submitter. Criteria: Invitae Variant Classification Sherloc (09022015). Collection method: clinical testing. Allele origin: germline.
Comment: This sequence change replaces proline, which is neutral and non-polar, with serine, which is neutral and polar, at codon 2147 of the POLE protein (p.Pro2147Ser). This variant is present in population databases (rs776658476, gnomAD 0.01%). This variant has not been reported in the literature in individuals affected with POLE-related conditions. ClinVar contains an entry for this variant (Variation ID: 1362921). Invitae Evidence Modeling of protein sequence and biophysical properties (such as structural, functional, and spatial information, amino acid conservation, physicochemical variation, residue mobility, and thermodynamic stability) indicates that this missense variant is not expected to disrupt POLE protein function with a negative predictive value of 80%. In summary, the available evidence is currently insufficient to determine the role of this variant in disease. Therefore, it has been classified as a Variant of Uncertain Significance.

NM_006231.4(POLE):c.6439C>T (p.Pro2147Ser)

Gene: POLE (DNA polymerase epsilon, catalytic subunit; minus strand). Cytogenetic location: 12q24.33.
Variant type: single nucleotide variant.
Coding change: c.6439C>T on transcript NM_006231.4 (MANE Select); coding-DNA position 6439, C replaced by T.
Protein change: p.Pro2147Ser; replaces proline 2147 with serine.
Molecular consequence: missense variant.
Genome position (GRCh38, 1-based): chr12:132,626,209, G>A on the plus strand (C>T on the coding strand, the complement: POLE is on the minus strand). VCF-style: chr12-132626209-G-A. GRCh37 (hg19) VCF-style: chr12-133202795-G-A.
Other names: c.6439C>T (NM_006231.2); short protein forms P2147S.
Identifiers: ClinVar variation 1362921 (VCV001362921.9), dbSNP rs776658476, ClinGen allele CA6892178.
Genomic context (GRCh38, chr12:132,626,209, plus strand): 5'-GGTCGCGGCAGAAGTTACAGCTGCGGCAGATGACCTCAGGAAGCACGTAGGAGCGGCAGG[G>A]GTCTCGGAACTGGGCCTCCTCGGAGAACTCGCCGACATCCACCAGGCGAAGCAGGTCTCG-3'
Protein context (NP_006222.2, residues 2137-2157): EFSEEAQFRD[Pro2147Ser]CRSYVLPEVI